The following is an entry in ClinVar:

ClinVar aggregate classification (germline): Uncertain significance. Review status: criteria provided, multiple submitters, no conflicts (2 of 4 stars). 2 submissions from 2 submitters: Uncertain significance (2). Last evaluated 2024-05-21.

Conditions:
PCNT-related disorder. Also called: PCNT-related condition.

Allele frequency attached by ClinVar (database versions not stated): TOPMed 0.00003; gnomAD 0.00005; 1000 Genomes Project 30x 0.00016; 1000 Genomes Project 0.00020.

Submissions (2):

Blueprint Genetics
Classification: Uncertain significance. Last evaluated: 2024-05-21. Review status: criteria provided, single submitter. Criteria: ACMG Guidelines, 2015. Collection method: clinical testing. Allele origin: germline.

PreventionGenetics, part of Exact Sciences
Classification: Uncertain significance for PCNT-related condition. Last evaluated: 2022-09-08. Review status: criteria provided, single submitter. Criteria: ACMG Guidelines, 2015. Collection method: clinical testing. Allele origin: germline.
Comment: The PCNT c.1207C>T variant is predicted to result in the amino acid substitution p.Arg403Trp. To our knowledge, this variant has not been reported in the literature. This variant is reported in 0.016% of alleles in individuals of African descent in gnomAD. This variant is located at the last base of an exon and may alter splicing at the adjacent canonical splice acceptor site. At this time, the clinical significance of this variant is uncertain due to the absence of conclusive functional and genetic evidence.

NM_006031.6(PCNT):c.1207C>T (p.Arg403Trp)

Gene: PCNT (pericentrin; plus strand). Cytogenetic location: 21q22.3.
Variant type: single nucleotide variant.
Coding change: c.1207C>T on transcript NM_006031.6 (MANE Select); coding-DNA position 1207, C replaced by T.
Protein change: p.Arg403Trp; replaces arginine 403 with tryptophan.
Molecular consequence: missense variant.
Genome position (GRCh38, 1-based): chr21:46,349,186, C>T. VCF-style: chr21-46349186-C-T. GRCh37 (hg19) VCF-style: chr21-47769100-C-T.
Other names: c.853C>T, p.Arg285Trp (NM_001315529.2); short protein forms R285W, R403W.
Identifiers: ClinVar variation 2634761 (VCV002634761.2), dbSNP rs538614143, ClinGen allele CA10078533.